The following is an entry in ClinVar:

ClinVar aggregate classification (germline): Uncertain significance (1 of 4 stars; one submission).

Allele frequency attached by ClinVar (database versions not stated): gnomAD exomes 0.00001 and 0.00002; ExAC 0.00002; gnomAD 0.00005; TOPMed 0.00013; 1000 Genomes Project 30x 0.00016; 1000 Genomes Project 0.00020.
gnomAD v4.1: 33 of 1,613,978 alleles (0.002%); highest among the groups gnomAD compares: Admixed American, 0.012%; no homozygotes.

Submission:

Labcorp Genetics (formerly Invitae), Labcorp
Classification: Uncertain significance. Last evaluated: 2022-07-26. Review status: criteria provided, single submitter. Criteria: Invitae Variant Classification Sherloc (09022015). Collection method: clinical testing. Allele origin: germline.
Comment: This sequence change replaces arginine, which is basic and polar, with glutamine, which is neutral and polar, at codon 673 of the GGCX protein (p.Arg673Gln). This variant is present in population databases (rs571784981, gnomAD 0.007%). This variant has not been reported in the literature in individuals affected with GGCX-related conditions. ClinVar contains an entry for this variant (Variation ID: 1448692). Algorithms developed to predict the effect of missense changes on protein structure and function are either unavailable or do not agree on the potential impact of this missense change (SIFT: "Tolerated"; PolyPhen-2: "Possibly Damaging"; Align-GVGD: "Class C0"). In summary, the available evidence is currently insufficient to determine the role of this variant in disease. Therefore, it has been classified as a Variant of Uncertain Significance.

NM_000821.7(GGCX):c.2018G>A (p.Arg673Gln)

Gene: GGCX (gamma-glutamyl carboxylase; minus strand). Cytogenetic location: 2p11.2.
Variant type: single nucleotide variant.
Coding change: c.2018G>A on transcript NM_000821.7 (MANE Select); coding-DNA position 2018, G replaced by A.
Protein change: p.Arg673Gln; replaces arginine 673 with glutamine.
Molecular consequence: missense variant.
Genome position (GRCh38, 1-based): chr2:85,550,621, C>T on the plus strand (G>A on the coding strand, the complement: GGCX is on the minus strand). VCF-style: chr2-85550621-C-T. GRCh37 (hg19) VCF-style: chr2-85777744-C-T.
Other names: c.1847G>A, p.Arg616Gln (NM_001142269.4); short protein forms R616Q, R673Q.
Identifiers: ClinVar variation 1448692 (VCV001448692.3), dbSNP rs571784981, ClinGen allele CA1741665.